The following is an entry in ClinVar:

ClinVar aggregate classification (germline): Likely benign. Review status: criteria provided, single submitter (1 of 4 stars). 2 submissions from 2 submitters: Likely benign (1). 1 of the submissions does not count toward it. Last evaluated 2023-12-30.

Conditions:
DCHS1-related disorder. Also called: DCHS1-related condition.

Allele frequency attached by ClinVar (database versions not stated): TOPMed 0.00002; ExAC 0.00003; gnomAD exomes 0.00004 and 0.00002; gnomAD 0.00002.
gnomAD v4.1: 39 of 1,613,888 alleles (0.0024%); highest among the groups gnomAD compares: South Asian, 0.023%; no homozygotes.

Submissions (2):

Labcorp Genetics (formerly Invitae), Labcorp
Classification: Likely benign. Last evaluated: 2023-12-30. Review status: criteria provided, single submitter. Criteria: Invitae Variant Classification Sherloc (09022015). Collection method: clinical testing. Allele origin: germline.

PreventionGenetics, part of Exact Sciences
Classification: Likely benign for DCHS1-related condition. Last evaluated: 2020-03-20. Review status: no assertion criteria provided. Collection method: clinical testing. Allele origin: germline. Not counted in ClinVar's aggregate classification.
Comment: This variant is classified as likely benign based on ACMG/AMP sequence variant interpretation guidelines (Richards et al. 2015 PMID: 25741868, with internal and published modifications).

NM_003737.4(DCHS1):c.1695C>T (p.Ser565=)

Gene: DCHS1 (dachsous cadherin-related 1; minus strand). Cytogenetic location: 11p15.4.
Variant type: single nucleotide variant.
Coding change: c.1695C>T on transcript NM_003737.4 (MANE Select); coding-DNA position 1695, C replaced by T.
Protein change: p.Ser565=; no amino-acid change (serine 565 retained).
Molecular consequence: synonymous variant.
Genome position (GRCh38, 1-based): chr11:6,639,919, G>A on the plus strand (C>T on the coding strand, the complement: DCHS1 is on the minus strand). VCF-style: chr11-6639919-G-A. GRCh37 (hg19) VCF-style: chr11-6661150-G-A.
Identifiers: ClinVar variation 721939 (VCV000721939.9), dbSNP rs769519294, ClinGen allele CA5860912.